The following is an entry in ClinVar:

ClinVar aggregate classification (germline): Uncertain significance. Review status: criteria provided, multiple submitters, no conflicts (2 of 4 stars). 4 submissions from 4 submitters: Uncertain significance (4). Last evaluated 2024-01-05.

Conditions:
Ataxia-telangiectasia-like disorder (ATLD). Identifiers: MedGen C1858391, MONDO:0011457.
Hereditary cancer-predisposing syndrome. Also called: Neoplastic Syndromes, Hereditary; Tumor predisposition; Hereditary Cancer Syndrome; Hereditary neoplastic syndrome. Identifiers: Orphanet 140162, MedGen C0027672, MeSH D009386, MONDO:0015356.
Ataxia-telangiectasia-like disorder 1 (ATLD1). Identifiers: Orphanet 251347, MedGen C4012790, MONDO:0024557, OMIM 604391.

Allele frequency attached by ClinVar (database versions not stated): gnomAD 0.00001; gnomAD exomes 0.00001 and 0.00002; TOPMed 0.00001.
gnomAD v4.1: 31 of 1,613,776 alleles (0.0019%); highest among the groups gnomAD compares: Non-Finnish European, 0.0026%; no homozygotes.

Submissions (4):

Ambry Genetics
Classification: Uncertain significance for Hereditary cancer-predisposing syndrome. Last evaluated: 2024-01-05. Review status: criteria provided, single submitter. Criteria: Ambry Variant Classification Scheme 2023. Collection method: clinical testing. Allele origin: germline.
Comment: The p.H73R variant (also known as c.218A>G), located in coding exon 3 of the MRE11A gene, results from an A to G substitution at nucleotide position 218. The histidine at codon 73 is replaced by arginine, an amino acid with highly similar properties. This amino acid position is well conserved in available vertebrate species. In addition, the in silico prediction for this alteration is inconclusive. Since supporting evidence is limited at this time, the clinical significance of this alteration remains unclear.

Labcorp Genetics (formerly Invitae), Labcorp
Classification: Uncertain significance for Ataxia-telangiectasia-like disorder. Last evaluated: 2023-09-10. Review status: criteria provided, single submitter. Criteria: Invitae Variant Classification Sherloc (09022015). Collection method: clinical testing. Allele origin: germline.
Comment: This sequence change replaces histidine, which is basic and polar, with arginine, which is basic and polar, at codon 73 of the MRE11 protein (p.His73Arg). This variant is present in population databases (rs769313864, gnomAD 0.003%). In summary, the available evidence is currently insufficient to determine the role of this variant in disease. Therefore, it has been classified as a Variant of Uncertain Significance. An algorithm developed to predict the effect of missense changes on protein structure and function (PolyPhen-2) suggests that this variant is likely to be tolerated. ClinVar contains an entry for this variant (Variation ID: 186312). This variant has not been reported in the literature in individuals affected with MRE11-related conditions.

GeneDx
Classification: Uncertain significance. Last evaluated: 2022-04-11. Review status: criteria provided, single submitter. Criteria: GeneDx Variant Classification Process June 2021. Collection method: clinical testing. Allele origin: germline. Affected: yes.
Comment: Not observed at significant frequency in large population cohorts (gnomAD); In silico analysis supports that this missense variant has a deleterious effect on protein structure/function; Has not been previously published as pathogenic or benign to our knowledge

Illumina Laboratory Services, Illumina
Classification: Uncertain significance for Ataxia-telangiectasia-like disorder 1. Last evaluated: 2017-04-27. Review status: criteria provided, single submitter. Criteria: ICSL Variant Classification Criteria 13 December 2019. Collection method: clinical testing. Allele origin: germline.

NM_005591.4(MRE11):c.218A>G (p.His73Arg)

Gene: MRE11 (MRE11 double strand break repair nuclease; minus strand). Cytogenetic location: 11q21.
Variant type: single nucleotide variant.
Coding change: c.218A>G on transcript NM_005591.4 (MANE Select); coding-DNA position 218, A replaced by G.
Protein change: p.His73Arg; replaces histidine 73 with arginine.
Molecular consequence: missense variant.
Genome position (GRCh38, 1-based): chr11:94,486,020, T>C on the plus strand (A>G on the coding strand, the complement: MRE11 is on the minus strand). VCF-style: chr11-94486020-T-C. GRCh37 (hg19) VCF-style: chr11-94219186-T-C.
Other names: c.218A>G, p.His73Arg (NM_001330347.2, NM_005590.4); short protein forms H73R.
Identifiers: ClinVar variation 186312 (VCV000186312.18), dbSNP rs769313864, ClinGen allele CA194438.
Genomic context (GRCh38, chr11:94,486,020, plus strand): 5'-ATTTCAAACTGGACAGGCCGATCACCCATACAATATTTTCTTAATAACTCGAGGCAGGTA[T>C]GTAATGTTTTCCTTGAGGGCTTATTTTCATGAAAAAGATCACCACCTAACAAAATAAAAT-3'
Protein context (NP_005582.1, residues 63-83): HENKPSRKTL[His73Arg]TCLELLRKYC